The following is an entry in ClinVar:

NM_003334.4(UBA1):c.798G>A (p.Glu266=)

Gene: UBA1 (ubiquitin like modifier activating enzyme 1; plus strand). Cytogenetic location: Xp11.3.
Variant type: single nucleotide variant.
Coding change: c.798G>A on transcript NM_003334.4 (MANE Select); coding-DNA position 798, G replaced by A.
Protein change: p.Glu266=; no amino-acid change (glutamic acid 266 retained).
Molecular consequence: synonymous variant.
Genome position (GRCh38, 1-based): chrX:47,201,597, G>A. VCF-style: chrX-47201597-G-A. GRCh37 (hg19) VCF-style: chrX-47060996-G-A.
Other names: c.798G>A, p.Glu266= (NM_153280.3).
Identifiers: ClinVar variation 772488 (VCV000772488.32), dbSNP rs202041421, ClinGen allele CA10395755.

ClinVar aggregate classification (germline): Benign/Likely benign. Review status: criteria provided, multiple submitters, no conflicts (2 of 4 stars). 2 submissions from 2 submitters: Benign (1); Likely benign (1). Last evaluated 2025-02-18.

Conditions:
Infantile-onset X-linked spinal muscular atrophy. Also called: SPINAL MUSCULAR ATROPHY, X-LINKED LETHAL INFANTILE; Spinal Muscular Atrophy, X-Linked Infantile; AMC, DISTAL, X-LINKED; ARTHROGRYPOSIS, X-LINKED, TYPE I; Spinal muscular atrophy, X-linked 2. Identifiers: Orphanet 1145, MedGen C1844934, MONDO:0010532, OMIM 301830.

Allele frequency attached by ClinVar (database versions not stated): gnomAD exomes 0.00001 and 0.00008; gnomAD 0.00005 and 0.00008; TOPMed 0.00006; ExAC 0.00009; 1000 Genomes Project 30x 0.00062; 1000 Genomes Project 0.00079.
gnomAD v4.1: 32 of 1,210,211 alleles (0.0026%); highest among the groups gnomAD compares: East Asian, 0.062%; 1 homozygote.

Submissions (2):

Labcorp Genetics (formerly Invitae), Labcorp
Classification: Benign for Infantile-onset X-linked spinal muscular atrophy. Last evaluated: 2025-02-18. Review status: criteria provided, single submitter. Criteria: Invitae Variant Classification Sherloc (09022015). Collection method: clinical testing. Allele origin: germline.

CeGaT Center for Human Genetics Tuebingen
Classification: Likely benign. Last evaluated: 2022-07-01. Review status: criteria provided, single submitter. Criteria: CeGaT Center For Human Genetics Tuebingen Variant Classification Criteria Version 2. Collection method: clinical testing. Allele origin: germline. Affected: yes. Observed: 1 variant allele.
Comment: UBA1: BP4, BP7